The following is an entry in ClinVar:

NM_016239.4(MYO15A):c.5414_5415del (p.Gly1805fs)

Gene: MYO15A (myosin XVA; plus strand). Cytogenetic location: 17p11.2.
Variant type: Deletion.
Coding change: c.5414_5415del on transcript NM_016239.4 (MANE Select); coding-DNA positions 5414 to 5415, 2 bases deleted (GT; older notation c.5414_5415delGT).
Protein change: p.Gly1805fs; shifts the reading frame from glycine 1805.
Molecular consequence: frameshift variant.
Genome position (GRCh38, 1-based): chr17:18,141,026-18,141,027, GT deleted. VCF-style (leftmost placement, unchanged base first): chr17-18141025-GGT-G. GRCh37 (hg19) VCF-style: chr17-18044339-GGT-G.
Other names: short protein forms G1805fs.
Identifiers: ClinVar variation 2808375 (VCV002808375.3), dbSNP rs2545254961, ClinGen allele CA2576190180.

ClinVar aggregate classification (germline): Pathogenic (1 of 4 stars; one submission).

Allele frequency attached by ClinVar (database versions not stated): gnomAD exomes below 0.00001.

Submission:

Labcorp Genetics (formerly Invitae), Labcorp
Classification: Pathogenic. Last evaluated: 2023-03-16. Review status: criteria provided, single submitter. Criteria: Invitae Variant Classification Sherloc (09022015). Collection method: clinical testing. Allele origin: germline.
Comment: This sequence change creates a premature translational stop signal (p.Gly1805Alafs*3) in the MYO15A gene. It is expected to result in an absent or disrupted protein product. Loss-of-function variants in MYO15A are known to be pathogenic (PMID: 17546645). This variant is not present in population databases (gnomAD no frequency). This variant has not been reported in the literature in individuals affected with MYO15A-related conditions. For these reasons, this variant has been classified as Pathogenic.

Literature cited by the submitters: PubMed 17546645.